The following is an entry in ClinVar:

NM_001374353.1(GLI2):c.1443G>A (p.Thr481=)

Gene: GLI2 (GLI family zinc finger 2; plus strand). Cytogenetic location: 2q14.2.
Variant type: single nucleotide variant.
Coding change: c.1443G>A on transcript NM_001374353.1 (MANE Select); coding-DNA position 1443, G replaced by A.
Protein change: p.Thr481=; no amino-acid change (threonine 481 retained).
Molecular consequence: synonymous variant.
Genome position (GRCh38, 1-based): chr2:120,978,559, G>A. VCF-style: chr2-120978559-G-A. GRCh37 (hg19) VCF-style: chr2-121736135-G-A.
Other names: c.1494G>A, p.Thr498= (NM_001371271.1, NM_005270.5); c.1068G>A, p.Thr356= (NM_001374354.1).
Identifiers: ClinVar variation 749884 (VCV000749884.28), dbSNP rs140356471, ClinGen allele CA1851914.

ClinVar aggregate classification (germline): Benign/Likely benign. Review status: criteria provided, multiple submitters, no conflicts (2 of 4 stars). 3 submissions from 3 submitters: Benign (1); Likely benign (2). Last evaluated 2026-05-12.

Allele frequency attached by ClinVar (database versions not stated): gnomAD exomes 0.00004 and 0.00012; TOPMed 0.00012; ExAC 0.00013; gnomAD 0.00013; ESP Exome Variant Server 0.00015; 1000 Genomes Project 30x 0.00016; 1000 Genomes Project 0.00020.
gnomAD v4.1: 77 of 1,613,918 alleles (0.0048%); highest among the groups gnomAD compares: East Asian, 0.078%; no homozygotes.

Submissions (3):

Women's Health and Genetics/Laboratory Corporation of America, LabCorp
Classification: Likely benign. Last evaluated: 2026-05-12. Review status: criteria provided, single submitter. Criteria: LabCorp Variant Classification Summary - May 2015. Collection method: clinical testing. Allele origin: germline.

CeGaT Center for Human Genetics Tuebingen
Classification: Likely benign. Last evaluated: 2023-02-01. Review status: criteria provided, single submitter. Criteria: CeGaT Center For Human Genetics Tuebingen Variant Classification Criteria Version 2. Collection method: clinical testing. Allele origin: germline. Affected: yes. Observed: 1 variant allele.
Comment: GLI2: BP4, BP7

Labcorp Genetics (formerly Invitae), Labcorp
Classification: Benign. Last evaluated: 2018-06-22. Review status: criteria provided, single submitter. Criteria: Invitae Variant Classification Sherloc (09022015). Collection method: clinical testing. Allele origin: germline.